The following is an entry in ClinVar:

ClinVar aggregate classification (germline): Uncertain significance (1 of 4 stars; one submission).

Allele frequency attached by ClinVar (database versions not stated): ExAC 0.00001; gnomAD 0.00001.
gnomAD v4.1: 3 of 1,613,622 alleles (0.00019%); highest among the groups gnomAD compares: Non-Finnish European, 0.00025%; no homozygotes.

Submission:

Labcorp Genetics (formerly Invitae), Labcorp
Classification: Uncertain significance. Last evaluated: 2024-04-15. Review status: criteria provided, single submitter. Criteria: Invitae Variant Classification Sherloc (09022015). Collection method: clinical testing. Allele origin: germline.
Comment: This sequence change replaces phenylalanine, which is neutral and non-polar, with leucine, which is neutral and non-polar, at codon 419 of the SERPING1 protein (p.Phe419Leu). This variant is present in population databases (rs775042436, gnomAD 0.002%). This missense change has been observed in individual(s) with autosomal dominant hereditary angioedema (PMID: 31517426). ClinVar contains an entry for this variant (Variation ID: 2105302). Advanced modeling of protein sequence and biophysical properties (such as structural, functional, and spatial information, amino acid conservation, physicochemical variation, residue mobility, and thermodynamic stability) has been performed at Invitae for this missense variant, however the output from this modeling did not meet the statistical confidence thresholds required to predict the impact of this variant on SERPING1 protein function. In summary, the available evidence is currently insufficient to determine the role of this variant in disease. Therefore, it has been classified as a Variant of Uncertain Significance.

Literature cited by the submitters: PubMed 31517426.

NM_000062.3(SERPING1):c.1257C>A (p.Phe419Leu)

Gene: SERPING1 (serpin family G member 1; plus strand). Cytogenetic location: 11q12.1.
Variant type: single nucleotide variant.
Coding change: c.1257C>A on transcript NM_000062.3 (MANE Select); coding-DNA position 1257, C replaced by A.
Protein change: p.Phe419Leu; replaces phenylalanine 419 with leucine.
Molecular consequence: missense variant.
Genome position (GRCh38, 1-based): chr11:57,614,335, C>A. VCF-style: chr11-57614335-C-A. GRCh37 (hg19) VCF-style: chr11-57381808-C-A.
Other names: c.1257C>A, p.Phe419Leu (NM_001032295.2); short protein forms F419L.
Identifiers: ClinVar variation 2105302 (VCV002105302.4), dbSNP rs775042436, ClinGen allele CA6008266.